The following is an entry in ClinVar:

ClinVar aggregate classification (germline): Pathogenic/Likely pathogenic. Review status: criteria provided, multiple submitters, no conflicts (2 of 4 stars). 2 submissions from 2 submitters: Pathogenic (1); Likely pathogenic (1). Last evaluated 2025-08-29.

Conditions:
Hypophosphatasia. Also called: Phosphoethanol-aminuria. Identifiers: Orphanet 436, MedGen C0020630, MeSH D007014, MONDO:0018570.

Submissions (2):

Genomenon, Inc
Classification: Pathogenic for Hypophosphatasia. Last evaluated: 2025-08-29. Review status: criteria provided, single submitter. Criteria: Genomenon Sequence Variant Interpretation Standards. Collection method: curation. Allele origin: germline. Affected: yes.
Comment: ALPL c.82T>G is a missense variant that changes the amino acid at residue 28 from Tyrosine to Aspartic acid. This variant has been observed in at least one proband affected with hypophosphatasia (PMID:24022022). This variant has been observed in trans with a pathogenic variant (PMID:24022022). At least one functional study has demonstrated a substantial alteration in protein function relative to the wild-type (PMID:24022022). It is absent or not present at a significant frequency in gnomAD. In silico models agree that this variant is possibly or probably damaging. In conclusion, we classify ALPL p.Tyr28Asp (c.82T>G) as a pathogenic variant.

Women's Health and Genetics/Laboratory Corporation of America, LabCorp
Classification: Likely pathogenic for Hypophosphatasia. Last evaluated: 2025-06-12. Review status: criteria provided, single submitter. Criteria: LabCorp Variant Classification Summary - May 2015. Collection method: clinical testing. Allele origin: germline.
Comment: Variant summary: ALPL c.82T>G (p.Tyr28Asp) results in a non-conservative amino acid change in the encoded protein sequence. Algorithms developed to predict the effect of missense changes on protein structure and function all suggest that this variant is likely to be disruptive. The variant was absent in 251468 control chromosomes. c.82T>G has been observed in at-least one individual affected with Hypophosphatasia (Yang_2013). At least one publication reports experimental evidence evaluating an impact on protein function. The most pronounced variant effect results in less than 2% of normal activity HER 293T cells (Yang_2013). The following publication has been ascertained in the context of this evaluation (PMID: 24022022). No submitters have cited clinical-significance assessments for this variant to ClinVar. Based on the evidence outlined above, the variant was classified as likely pathogenic.

Literature cited by the submitters: PubMed 24022022 (cited by Genomenon, Inc and Women's Health and Genetics/Laboratory Corporation of America, LabCorp).

NM_000478.6(ALPL):c.82T>G (p.Tyr28Asp)

Gene: ALPL (alkaline phosphatase, biomineralization associated; plus strand). Cytogenetic location: 1p36.12.
Variant type: single nucleotide variant.
Coding change: c.82T>G on transcript NM_000478.6 (MANE Select); coding-DNA position 82, T replaced by G.
Protein change: p.Tyr28Asp; replaces tyrosine 28 with aspartic acid.
Molecular consequence: missense variant. On other transcripts: 5 prime UTR variant (2).
Genome position (GRCh38, 1-based): chr1:21,560,646, T>G. VCF-style: chr1-21560646-T-G. GRCh37 (hg19) VCF-style: chr1-21887139-T-G.
Other names: c.-84T>G (NM_001127501.4); c.-34T>G (NM_001177520.3); c.82T>G, p.Tyr28Asp (NM_001369803.2, NM_001369804.2, NM_001369805.2); short protein forms Y28D.
Identifiers: ClinVar variation 3907173 (VCV003907173.2).
Genomic context (GRCh38, chr1:21,560,646, plus strand): 5'-ATCCTTACCCCGCCAAGTAACTGCCTCTCTCTGTGTTTAGAGAAAGAGAAAGACCCCAAG[T>G]ACTGGCGAGACCAAGCGCAAGAGACACTGAAATATGCCCTGGAGCTTCAGAAGCTCAACA-3'
Protein context (NP_000469.3, residues 18-38): LVPEKEKDPK[Tyr28Asp]WRDQAQETLK